The following is an entry in ClinVar:

ClinVar aggregate classification (germline): Uncertain significance (1 of 4 stars; one submission).

Allele frequency attached by ClinVar (database versions not stated): gnomAD exomes 0.00001; gnomAD 0.00007; TOPMed 0.00008.

Submission:

Labcorp Genetics (formerly Invitae), Labcorp
Classification: Uncertain significance. Last evaluated: 2022-11-08. Review status: criteria provided, single submitter. Criteria: Invitae Variant Classification Sherloc (09022015). Collection method: clinical testing. Allele origin: germline.
Comment: This variant is present in population databases (no rsID available, gnomAD 0.02%). This sequence change affects the initiator methionine of the DPYS mRNA. The next in-frame methionine is located at codon 70. This variant has not been reported in the literature in individuals affected with DPYS-related conditions. In summary, the available evidence is currently insufficient to determine the role of this variant in disease. Therefore, it has been classified as a Variant of Uncertain Significance. Experimental studies and prediction algorithms are not available or were not evaluated, and the functional significance of this variant is currently unknown.

NM_001385.3(DPYS):c.3G>A (p.Met1Ile)

Gene: DPYS (dihydropyrimidinase; minus strand). Cytogenetic location: 8q22.3.
Variant type: single nucleotide variant.
Coding change: c.3G>A on transcript NM_001385.3 (MANE Select); coding-DNA position 3, G replaced by A.
Protein change: p.Met1Ile; changes the start codon (methionine 1).
Molecular consequence: missense variant, initiator codon variant.
Genome position (GRCh38, 1-based): chr8:104,466,918, C>T on the plus strand (G>A on the coding strand, the complement: DPYS is on the minus strand). VCF-style: chr8-104466918-C-T. GRCh37 (hg19) VCF-style: chr8-105479146-C-T.
Other names: short protein forms M1I.
Identifiers: ClinVar variation 1904077 (VCV001904077.6), dbSNP rs1032598870, ClinGen allele CA182641701.